The following is an entry in ClinVar:

NM_001875.5(CPS1):c.1799G>A (p.Cys600Tyr)

Gene: CPS1 (carbamoyl-phosphate synthase 1; plus strand). Cytogenetic location: 2q34.
Variant type: single nucleotide variant.
Coding change: c.1799G>A on transcript NM_001875.5 (MANE Select); coding-DNA position 1799, G replaced by A.
Protein change: p.Cys600Tyr; replaces cysteine 600 with tyrosine.
Molecular consequence: missense variant. On other transcripts: non-coding transcript variant (2).
Genome position (GRCh38, 1-based): chr2:210,602,293, G>A. VCF-style: chr2-210602293-G-A. GRCh37 (hg19) VCF-style: chr2-211467017-G-A.
Other names: c.1799G>A, p.Cys600Tyr (NM_001122633.3, NM_001369257.1); c.1832G>A, p.Cys611Tyr (NM_001369256.1); short protein forms C600Y, C611Y.
Identifiers: ClinVar variation 3336552 (VCV003336552.2).
Genomic context (GRCh38, chr2:210,602,293, plus strand): 5'-TTGGCTACCCAGTGATGATCCGTTCCGCCTATGCACTGGGTGGGTTAGGCTCAGGCATCT[G>A]TCCCAACAGAGAGACTTTGATGGACCTCAGCACAAAGGTATGTATTTTTGTAGACAATAT-3'
Protein context (NP_001866.2, residues 590-610): YALGGLGSGI[Cys600Tyr]PNRETLMDLS

ClinVar aggregate classification (germline): Conflicting classifications of pathogenicity. Review status: criteria provided, conflicting classifications (1 of 4 stars). 2 submissions from 2 submitters: Likely pathogenic (1); Uncertain significance (1). Last evaluated 2024-05-19.

Conditions:
Congenital hyperammonemia, type I. Also called: CPS I DEFICIENCY; Carbamoyl-phosphate synthase I deficiency; Carbamoyl phosphate synthetase 1 deficiency; Hyperammonemia due to carbamoyl phosphate synthetase 1 deficiency; CPS 1 deficiency; Carbamyl phosphate synthetase (CPS) deficiency. Identifiers: Orphanet 147, MedGen C4082171, MONDO:0009376, OMIM 237300.
Pulmonary hypertension, neonatal, susceptibility to (PHN). Identifiers: MedGen C3714958, MONDO:0014151, OMIM 615371.

Submissions (2):

Fulgent Genetics
Classification: Likely pathogenic for Congenital hyperammonemia, type I; Pulmonary hypertension, neonatal, susceptibility to. Last evaluated: 2024-05-19. Review status: criteria provided, single submitter. Criteria: ACMG Guidelines, 2015. Collection method: clinical testing. Allele origin: germline.

Women's Health and Genetics/Laboratory Corporation of America, LabCorp
Classification: Uncertain significance. Last evaluated: 2024-05-16. Review status: criteria provided, single submitter. Criteria: LabCorp Variant Classification Summary - May 2015. Collection method: clinical testing. Allele origin: germline.
Comment: Variant summary: CPS1 c.1799G>A (p.Cys600Tyr) results in a non-conservative amino acid change located in the carbamoyl-phosphate synthetase large subunit-like, ATP-binding domain (IPR005479) of the encoded protein sequence. Five of five in-silico tools predict a damaging effect of the variant on protein function. The variant was absent in 250666 control chromosomes. The available data on variant occurrences in the general population are insufficient to allow any conclusion about variant significance. c.1799G>A has been reported in the literature in at least one compound heterozygous individual affected with Carbamoylphosphate Synthetase I Deficiency (e.g., Zhang_2018). However, these data do not allow any conclusion about variant significance. To our knowledge, no experimental evidence demonstrating an impact on protein function has been reported. The following publication has been ascertained in the context of this evaluation (PMID: 28444906). No submitters have cited clinical-significance assessments for this variant to ClinVar. Based on the evidence outlined above, the variant was classified as uncertain significance.

Literature cited by the submitters: PubMed 28444906 (cited by Women's Health and Genetics/Laboratory Corporation of America, LabCorp).